The following is an entry in ClinVar:

ClinVar aggregate classification (germline): Uncertain significance (1 of 4 stars; one submission).

Allele frequency attached by ClinVar (database versions not stated): gnomAD exomes below 0.00001; TOPMed below 0.00001; gnomAD 0.00001; ExAC 0.00002.
gnomAD v4.1: 6 of 1,603,298 alleles (0.00037%); highest among the groups gnomAD compares: Admixed American, 0.0067%; no homozygotes.

Submission:

Ambry Genetics
Classification: Uncertain significance. Last evaluated: 2024-01-11. Review status: criteria provided, single submitter. Criteria: Ambry Variant Classification Scheme 2023. Collection method: clinical testing. Allele origin: germline.
Comment: The p.V593A variant (also known as c.1778T>C), located in coding exon 18 of the NEBL gene, results from a T to C substitution at nucleotide position 1778. The valine at codon 593 is replaced by alanine, an amino acid with similar properties. This amino acid position is conserved. In addition, this alteration is predicted to be tolerated by in silico analysis. Since supporting evidence is limited at this time, the clinical significance of this alteration remains unclear.

NM_006393.3(NEBL):c.1778T>C (p.Val593Ala)

Gene: NEBL (nebulette; minus strand). Cytogenetic location: 10p12.31.
Variant type: single nucleotide variant.
Coding change: c.1778T>C on transcript NM_006393.3 (MANE Select); coding-DNA position 1778, T replaced by C.
Protein change: p.Val593Ala; replaces valine 593 with alanine.
Molecular consequence: missense variant. On other transcripts: intron variant (9).
Genome position (GRCh38, 1-based): chr10:20,826,538, A>G on the plus strand (T>C on the coding strand, the complement: NEBL is on the minus strand). VCF-style: chr10-20826538-A-G. GRCh37 (hg19) VCF-style: chr10-21115467-A-G.
Other names: c.250-13598T>C (NM_001377326.1, NM_001377327.1, NM_001377328.1); c.358-13598T>C (NM_213569.2, NM_001173484.2, NM_001377322.1); c.301-13598T>C (NM_001377324.1); c.292-13598T>C (NM_001377325.1); c.310-13598T>C (NM_001377323.1); short protein forms V593A.
Identifiers: ClinVar variation 3225562 (VCV003225562.1), dbSNP rs763267239, ClinGen allele CA5432739.